The following is an entry in ClinVar:

ClinVar aggregate classification (germline): Likely pathogenic (1 of 4 stars; one submission).

Conditions:
SIN3A-related intellectual disability syndrome due to a point mutation. Also called: WITTEVEEN-KOLK SYNDROME; 15q24 Microdeletion Syndrome. Identifiers: Orphanet 500166, Orphanet 94065, MedGen C4310804, MONDO:0044700, OMIM 613406.

Submission:

3billion
Classification: Likely pathogenic for SIN3A-related intellectual disability syndrome due to a point mutation. Review status: criteria provided, single submitter. Criteria: ACMG Guidelines, 2015. Collection method: clinical testing. Allele origin: unknown. Affected: yes. Observed: 1 heterozygote.
Comment: The variant is not observed in the gnomAD v2.1.1 dataset. The variant is predicted to alter splicing and result in a loss or disruption of normal protein function. Multiple pathogenic loss-of-function variants are reported downstream of the variant. Therefore, this variant is classified as Likely pathogenic according to the recommendation of ACMG/AMP guideline.

NM_001145358.2(SIN3A):c.474-1G>A

Gene: SIN3A (SIN3 transcription regulator family member A; minus strand). Cytogenetic location: 15q24.2.
Variant type: single nucleotide variant.
Coding change: c.474-1G>A on transcript NM_001145358.2 (MANE Select); the canonical splice acceptor site of the intron before coding-DNA position 474, G replaced by A.
Molecular consequence: splice acceptor variant.
Genome position (GRCh38, 1-based): chr15:75,413,046, C>T on the plus strand (G>A on the coding strand, the complement: SIN3A is on the minus strand). VCF-style: chr15-75413046-C-T. GRCh37 (hg19) VCF-style: chr15-75705387-C-T.
Other names: c.474-1G>A (NM_001145357.2, NM_015477.3).
Identifiers: ClinVar variation 2572427 (VCV002572427.1), dbSNP rs2542701033, ClinGen allele CA393452203.